The following is an entry in ClinVar:

NM_001256545.2(MEGF10):c.733G>A (p.Val245Met)

Gene: MEGF10 (multiple EGF like domains 10; plus strand). Cytogenetic location: 5q23.2.
Variant type: single nucleotide variant.
Coding change: c.733G>A on transcript NM_001256545.2 (MANE Select); coding-DNA position 733, G replaced by A.
Protein change: p.Val245Met; replaces valine 245 with methionine.
Molecular consequence: missense variant.
Genome position (GRCh38, 1-based): chr5:127,398,749, G>A. VCF-style: chr5-127398749-G-A. GRCh37 (hg19) VCF-style: chr5-126734441-G-A.
Other names: c.733G>A, p.Val245Met (NM_001308119.2, NM_001308121.2, NM_032446.3); short protein forms V245M.
Identifiers: ClinVar variation 859871 (VCV000859871.7), dbSNP rs755790851, ClinGen allele CA126931983.

ClinVar aggregate classification (germline): Uncertain significance (1 of 4 stars; one submission).

Conditions:
MEGF10-related myopathy (CMYO10A). Also called: Congenital myopathy 10A, severe variant. Identifiers: Orphanet 439212, MedGen C3280679, MONDO:0013731, OMIM 614399.

Allele frequency attached by ClinVar (database versions not stated): gnomAD exomes below 0.00001; TOPMed 0.00004.
gnomAD v4.1: 31 of 1,613,862 alleles (0.0019%); highest among the groups gnomAD compares: Non-Finnish European, 0.0025%; no homozygotes.

Submission:

Labcorp Genetics (formerly Invitae), Labcorp
Classification: Uncertain significance for MEGF10-related myopathy. Last evaluated: 2021-08-31. Review status: criteria provided, single submitter. Criteria: Invitae Variant Classification Sherloc (09022015). Collection method: clinical testing. Allele origin: germline.
Comment: This sequence change replaces valine with methionine at codon 245 of the MEGF10 protein (p.Val245Met). The valine residue is moderately conserved and there is a small physicochemical difference between valine and methionine. This variant is not present in population databases (ExAC no frequency). This variant has not been reported in the literature in individuals affected with MEGF10-related conditions. Algorithms developed to predict the effect of missense changes on protein structure and function are either unavailable or do not agree on the potential impact of this missense change (SIFT: "Deleterious"; PolyPhen-2: "Benign"; Align-GVGD: "Class C0"). In summary, the available evidence is currently insufficient to determine the role of this variant in disease. Therefore, it has been classified as a Variant of Uncertain Significance.